The following is an entry in ClinVar:

NM_005121.3(MED13):c.5366T>G (p.Val1789Gly)

Gene: MED13 (mediator complex subunit 13; minus strand). Cytogenetic location: 17q23.2.
Variant type: single nucleotide variant.
Coding change: c.5366T>G on transcript NM_005121.3 (MANE Select); coding-DNA position 5366, T replaced by G.
Protein change: p.Val1789Gly; replaces valine 1789 with glycine.
Molecular consequence: missense variant.
Genome position (GRCh38, 1-based): chr17:61,960,981, A>C on the plus strand (T>G on the coding strand, the complement: MED13 is on the minus strand). VCF-style: chr17-61960981-A-C. GRCh37 (hg19) VCF-style: chr17-60038342-A-C.
Other names: short protein forms V1789G.
Identifiers: ClinVar variation 1698241 (VCV001698241.3), dbSNP rs2143341675, ClinGen allele CA400510005.

ClinVar aggregate classification (germline): Uncertain significance (1 of 4 stars; one submission).

Submission:

GeneDx
Classification: Uncertain significance. Last evaluated: 2023-10-23. Review status: criteria provided, single submitter. Criteria: GeneDx Variant Classification Process June 2021. Collection method: clinical testing. Allele origin: germline.
Comment: Not observed at significant frequency in large population cohorts (gnomAD); In silico analysis supports that this missense variant has a deleterious effect on protein structure/function; Has not been previously published as pathogenic or benign to our knowledge